The following is an entry in ClinVar:

NM_006031.6(PCNT):c.5371G>A (p.Glu1791Lys)

Gene: PCNT (pericentrin; plus strand). Cytogenetic location: 21q22.3.
Variant type: single nucleotide variant.
Coding change: c.5371G>A on transcript NM_006031.6 (MANE Select); coding-DNA position 5371, G replaced by A.
Protein change: p.Glu1791Lys; replaces glutamic acid 1791 with lysine.
Molecular consequence: missense variant.
Genome position (GRCh38, 1-based): chr21:46,411,444, G>A. VCF-style: chr21-46411444-G-A. GRCh37 (hg19) VCF-style: chr21-47831358-G-A.
Other names: c.5017G>A, p.Glu1673Lys (NM_001315529.2); c.5371G>A (NM_006031.5); short protein forms E1673K, E1791K.
Identifiers: ClinVar variation 2058465 (VCV002058465.3), dbSNP rs373720439, ClinGen allele CA10079965.

ClinVar aggregate classification (germline): Uncertain significance. Review status: criteria provided, single submitter (1 of 4 stars). 2 submissions from 2 submitters: Uncertain significance (1). 1 of the submissions does not count toward it. Last evaluated 2022-07-28.

Conditions:
PCNT-related disorder. Also called: PCNT-related condition.

Allele frequency attached by ClinVar (database versions not stated): gnomAD exomes 0.00001; TOPMed 0.00001; ExAC 0.00002; ESP Exome Variant Server 0.00008.
gnomAD v4.1: 13 of 1,611,684 alleles (0.00081%); highest among the groups gnomAD compares: East Asian, 0.016%; no homozygotes.

Submissions (2):

Labcorp Genetics (formerly Invitae), Labcorp
Classification: Uncertain significance. Last evaluated: 2022-07-28. Review status: criteria provided, single submitter. Criteria: Invitae Variant Classification Sherloc (09022015). Collection method: clinical testing. Allele origin: germline.
Comment: This sequence change replaces glutamic acid, which is acidic and polar, with lysine, which is basic and polar, at codon 1791 of the PCNT protein (p.Glu1791Lys). This variant is present in population databases (rs373720439, gnomAD 0.02%). This variant has not been reported in the literature in individuals affected with PCNT-related conditions. Algorithms developed to predict the effect of missense changes on protein structure and function are either unavailable or do not agree on the potential impact of this missense change (SIFT: "Deleterious"; PolyPhen-2: "Benign"; Align-GVGD: "Class C0"). In summary, the available evidence is currently insufficient to determine the role of this variant in disease. Therefore, it has been classified as a Variant of Uncertain Significance.

PreventionGenetics, part of Exact Sciences
Classification: Uncertain significance for PCNT-related condition. Last evaluated: 2024-04-09. Review status: no assertion criteria provided. Collection method: clinical testing. Allele origin: germline. Not counted in ClinVar's aggregate classification.
Comment: The PCNT c.5371G>A variant is predicted to result in the amino acid substitution p.Glu1791Lys. To our knowledge, this variant has not been reported in the literature. This variant is reported in 0.022% of alleles in individuals of East Asian descent in gnomAD. At this time, the clinical significance of this variant is uncertain due to the absence of conclusive functional and genetic evidence.